The following is an entry in ClinVar:

NM_020738.4(KIDINS220):c.4064G>A (p.Arg1355His)

Gene: KIDINS220 (kinase D interacting substrate 220; minus strand). Cytogenetic location: 2p25.1.
Variant type: single nucleotide variant.
Coding change: c.4064G>A on transcript NM_020738.4 (MANE Select); coding-DNA position 4064, G replaced by A.
Protein change: p.Arg1355His; replaces arginine 1355 with histidine.
Molecular consequence: missense variant. On other transcripts: intron variant (6).
Genome position (GRCh38, 1-based): chr2:8,731,972, C>T on the plus strand (G>A on the coding strand, the complement: KIDINS220 is on the minus strand). VCF-style: chr2-8731972-C-T. GRCh37 (hg19) VCF-style: chr2-8872102-C-T.
Other names: c.4067G>A, p.Arg1356His (NM_001348729.2); c.4010G>A, p.Arg1337His (NM_001348731.2); c.4007G>A, p.Arg1336His (NM_001348732.2); c.3896G>A, p.Arg1299His (NM_001348734.2); c.3893G>A, p.Arg1298His (NM_001348735.2); c.3767G>A, p.Arg1256His (NM_001348736.2); c.3882+1472G>A (NM_001348741.2, NM_001348742.2, NM_001348743.2); c.3996+1472G>A (NM_001348738.2); and 2 more; short protein forms R1256H, R1299H, R1336H, R1356H, R1337H, R1355H, R1298H.
Identifiers: ClinVar variation 1427913 (VCV001427913.7), dbSNP rs781321317, ClinGen allele CA1519424.

ClinVar aggregate classification (germline): Uncertain significance. Review status: criteria provided, single submitter (1 of 4 stars). 2 submissions from 2 submitters: Uncertain significance (1). 1 of the submissions does not count toward it. Last evaluated 2024-06-09.

Conditions:
KIDINS220-related disorder. Also called: KIDINS220-related condition.

Allele frequency attached by ClinVar (database versions not stated): gnomAD 0.00003 and 0.00004.
gnomAD v4.1: 63 of 1,566,814 alleles (0.004%); highest among the groups gnomAD compares: East Asian, 0.014%; no homozygotes.

Submissions (2):

Labcorp Genetics (formerly Invitae), Labcorp
Classification: Uncertain significance. Last evaluated: 2024-06-09. Review status: criteria provided, single submitter. Criteria: Invitae Variant Classification Sherloc (09022015). Collection method: clinical testing. Allele origin: germline.
Comment: This sequence change replaces arginine, which is basic and polar, with histidine, which is basic and polar, at codon 1355 of the KIDINS220 protein (p.Arg1355His). This variant is present in population databases (rs781321317, gnomAD 0.01%). This variant has not been reported in the literature in individuals affected with KIDINS220-related conditions. ClinVar contains an entry for this variant (Variation ID: 1427913). An algorithm developed to predict the effect of missense changes on protein structure and function (PolyPhen-2) suggests that this variant is likely to be tolerated. In summary, the available evidence is currently insufficient to determine the role of this variant in disease. Therefore, it has been classified as a Variant of Uncertain Significance.

PreventionGenetics, part of Exact Sciences
Classification: Uncertain significance for KIDINS220-related condition. Last evaluated: 2024-04-12. Review status: no assertion criteria provided. Collection method: clinical testing. Allele origin: germline. Not counted in ClinVar's aggregate classification.
Comment: The KIDINS220 c.4064G>A variant is predicted to result in the amino acid substitution p.Arg1355His. To our knowledge, this variant has not been reported in the literature. This variant is reported in 0.011% of alleles in individuals of East Asian descent in gnomAD. At this time, the clinical significance of this variant is uncertain due to the absence of conclusive functional and genetic evidence.